The following is an entry in ClinVar:

ClinVar aggregate classification (germline): Conflicting classifications of pathogenicity. Review status: criteria provided, conflicting classifications (1 of 4 stars). 5 submissions from 5 submitters: Uncertain significance (2); Likely benign (3). Last evaluated 2026-01-22.

Conditions:
Inborn genetic diseases. Identifiers: MedGen C0950123, MeSH D030342.

Submissions (5):

Labcorp Genetics (formerly Invitae), Labcorp
Classification: Likely benign. Last evaluated: 2026-01-22. Review status: criteria provided, single submitter. Criteria: Invitae Variant Classification Sherloc (09022015). Collection method: clinical testing. Allele origin: germline.

Blueprint Genetics
Classification: Likely benign. Last evaluated: 2024-09-17. Review status: criteria provided, single submitter. Criteria: ACMG Guidelines, 2015. Collection method: clinical testing. Allele origin: germline.

CeGaT Center for Human Genetics Tuebingen
Classification: Likely benign. Last evaluated: 2023-11-01. Review status: criteria provided, single submitter. Criteria: CeGaT Center For Human Genetics Tuebingen Variant Classification Criteria Version 2. Collection method: clinical testing. Allele origin: germline. Affected: yes. Observed: 4 variant alleles.
Comment: SOX11: BS1

Ambry Genetics
Classification: Uncertain significance for Inborn genetic diseases. Last evaluated: 2021-02-11. Review status: criteria provided, single submitter. Criteria: Ambry Variant Classification Scheme 2023. Collection method: clinical testing. Allele origin: germline.
Comment: The c.1051_1062del12 (p.S351_S354del) alteration is located in exon 1 (coding exon 1) of the SOX11 gene. This alteration consists of an in-frame deletion of 12 nucleotides between nucleotide positions c.1051 and c.1062, resulting in the deletion of 4 residues. This amino acid region is not well conserved in available vertebrate species. Based on insufficient or conflicting evidence, the clinical significance of this alteration remains unclear.

Center for Pediatric Genomic Medicine, Children's Mercy Hospital and Clinics
Classification: Uncertain significance. Last evaluated: 2016-08-03. Review status: criteria provided, single submitter. Criteria: ACMG Guidelines, 2015. Collection method: clinical testing. Allele origin: germline.
ClinVar note: Converted during submission from Uncertain Significance to Uncertain significance.

NM_003108.4(SOX11):c.1039AGCGGCAGCAGC[1] (p.347SGSS[1])

Gene: SOX11 (SRY-box transcription factor 11; plus strand). Cytogenetic location: 2p25.2.
Variant type: Microsatellite.
Coding change: c.1039AGCGGCAGCAGC[1] on transcript NM_003108.4 (MANE Select); one copy of the 12-base unit AGCGGCAGCAGC starting at c.1039; the reference has two copies in a row; one copy, 12 bases deleted.
Protein change: p.347SGSS[1].
Molecular consequence: inframe deletion.
Genome position (GRCh38, 1-based): chr2:5,693,772-5,693,783, AGCGGCAGCAGC deleted; deleting any 12 consecutive bases within chr2:5,693,753-5,693,783 gives the same sequence; the position shown is the placement nearest the transcript's 3' end. VCF-style (leftmost placement, unchanged base first): chr2-5693752-CCAGCAGCAGCGG-C. GRCh37 (hg19) VCF-style: chr2-5833884-CCAGCAGCAGCGG-C.
Other names: c.1051_1062del12 (NM_003108.3).
Identifiers: ClinVar variation 377015 (VCV000377015.50), dbSNP rs751221446, ClinGen allele CA1517974.